The following is an entry in ClinVar:

NM_005236.3(ERCC4):c.170G>C (p.Cys57Ser)

Genes: ERCC4 (ERCC excision repair 4, endonuclease catalytic subunit; plus strand), LOC130058543 (ATAC-STARR-seq lymphoblastoid active region 10486; plus strand). Cytogenetic location: 16p13.12.
Variant type: single nucleotide variant.
Coding change: c.170G>C on transcript NM_005236.3 (MANE Select); coding-DNA position 170, G replaced by C.
Protein change: p.Cys57Ser; replaces cysteine 57 with serine.
Molecular consequence: missense variant.
Genome position (GRCh38, 1-based): chr16:13,920,335, G>C. VCF-style: chr16-13920335-G-C. GRCh37 (hg19) VCF-style: chr16-14014192-G-C.
Other names: short protein forms C57S.
Identifiers: ClinVar variation 3342224 (VCV003342224.16).

ClinVar aggregate classification (germline): Uncertain significance (1 of 4 stars; one submission).

gnomAD v4.1: 2 of 1,597,380 alleles (0.00013%); highest among the groups gnomAD compares: Admixed American, 0.0034%; no homozygotes.

Submission:

CeGaT Center for Human Genetics Tuebingen
Classification: Uncertain significance. Last evaluated: 2024-09-01. Review status: criteria provided, single submitter. Criteria: CeGaT Center For Human Genetics Tuebingen Variant Classification Criteria Version 2. Collection method: clinical testing. Allele origin: germline. Affected: yes. Observed: 1 variant allele.
Comment: ERCC4: PM2